The following is an entry in ClinVar:

ClinVar aggregate classification (germline): Conflicting classifications of pathogenicity. Review status: criteria provided, conflicting classifications (1 of 4 stars). 2 submissions from 2 submitters: Uncertain significance (1); Benign (1). Last evaluated 2023-12-01.

Allele frequency attached by ClinVar (database versions not stated): 1000 Genomes Project 30x 0.00016; ESP Exome Variant Server 0.00016.

Submissions (2):

CeGaT Center for Human Genetics Tuebingen
Classification: Benign. Last evaluated: 2023-12-01. Review status: criteria provided, single submitter. Criteria: CeGaT Center For Human Genetics Tuebingen Variant Classification Criteria Version 2. Collection method: clinical testing. Allele origin: germline. Affected: yes. Observed: 1 variant allele.
Comment: BICRA: BS1, BS2

Ambry Genetics
Classification: Uncertain significance. Last evaluated: 2023-05-17. Review status: criteria provided, single submitter. Criteria: Ambry Variant Classification Scheme 2023. Collection method: clinical testing. Allele origin: germline.

NM_001394372.1(BICRA):c.4424G>A (p.Arg1475His)

Gene: BICRA (BRD4 interacting chromatin remodeling complex associated protein; plus strand). Cytogenetic location: 19q13.33.
Variant type: single nucleotide variant.
Coding change: c.4424G>A on transcript NM_001394372.1 (MANE Select); coding-DNA position 4424, G replaced by A.
Protein change: p.Arg1475His; replaces arginine 1475 with histidine.
Molecular consequence: missense variant.
Genome position (GRCh38, 1-based): chr19:47,702,156, G>A. VCF-style: chr19-47702156-G-A. GRCh37 (hg19) VCF-style: chr19-48205413-G-A.
Other names: c.4424G>A, p.Arg1475His (NM_015711.3); short protein forms R1475H.
Identifiers: ClinVar variation 2527193 (VCV002527193.24), dbSNP rs376735528, ClinGen allele CA9542416.